The following is an entry in ClinVar:

NM_000540.3(RYR1):c.12110del (p.Gly4037fs)

Gene: RYR1 (ryanodine receptor 1; plus strand). Cytogenetic location: 19q13.2.
Variant type: Deletion.
Coding change: c.12110del on transcript NM_000540.3 (MANE Select); coding-DNA position 12110, one base deleted (G; older notation c.12110delG).
Protein change: p.Gly4037fs; shifts the reading frame from glycine 4037.
Molecular consequence: frameshift variant.
Genome position (GRCh38, 1-based): chr19:38,548,248, G deleted; the last of 2 consecutive G bases (chr19:38,548,247-38,548,248); deleting either gives the same sequence. VCF-style (leftmost placement, unchanged base first): chr19-38548246-CG-C. GRCh37 (hg19) VCF-style: chr19-39038886-CG-C.
Other names: c.12110delG (NM_000540.2); c.12095del, p.Gly4032fs (NM_001042723.2); short protein forms G4032fs, G4037fs.
Identifiers: ClinVar variation 524130 (VCV000524130.50), dbSNP rs1555795308, ClinGen allele CA658799214.

ClinVar aggregate classification (germline): Pathogenic/Likely pathogenic. Review status: criteria provided, multiple submitters, no conflicts (2 of 4 stars). 3 submissions from 3 submitters: Pathogenic (2); Likely pathogenic (1). Last evaluated 2025-04-09.

Conditions:
RYR1-related disorder. Also called: RYR1-related condition; RYR1-related disorders. Identifiers: MedGen CN239331.

Submissions (3):

Labcorp Genetics (formerly Invitae), Labcorp
Classification: Pathogenic for RYR1-related disorder. Last evaluated: 2025-04-09. Review status: criteria provided, single submitter. Criteria: Invitae Variant Classification Sherloc (09022015). Collection method: clinical testing. Allele origin: germline.
Comment: This sequence change creates a premature translational stop signal (p.Gly4037Alafs*2) in the RYR1 gene. It is expected to result in an absent or disrupted protein product. Loss-of-function variants in RYR1 are known to be pathogenic (PMID: 23919265, 25960145, 28818389, 30611313). This variant is not present in population databases (gnomAD no frequency). This variant has not been reported in the literature in individuals affected with RYR1-related conditions. ClinVar contains an entry for this variant (Variation ID: 524130). For these reasons, this variant has been classified as Pathogenic.

CeGaT Center for Human Genetics Tuebingen
Classification: Pathogenic. Last evaluated: 2023-08-01. Review status: criteria provided, single submitter. Criteria: CeGaT Center For Human Genetics Tuebingen Variant Classification Criteria Version 2. Collection method: clinical testing. Allele origin: germline. Affected: yes. Observed: 2 variant alleles.
Comment: RYR1: PVS1, PM2

GeneDx
Classification: Likely pathogenic. Last evaluated: 2020-11-24. Review status: criteria provided, single submitter. Criteria: GeneDx Variant Classification Process June 2021. Collection method: clinical testing. Allele origin: germline. Affected: yes.
Comment: Frameshift variant predicted to result in protein truncation or nonsense mediated decay in a gene for which loss-of-function is a known mechanism of disease; Not observed in large population cohorts (Lek et al., 2016); Has not been previously published as pathogenic or benign to our knowledge; This variant is associated with the following publications: (PMID: 32528171)

Literature cited by the submitters: PubMed 23919265 (cited by Labcorp Genetics (formerly Invitae), Labcorp); PubMed 25960145 (cited by Labcorp Genetics (formerly Invitae), Labcorp); PubMed 28818389 (cited by Labcorp Genetics (formerly Invitae), Labcorp); PubMed 30611313 (cited by Labcorp Genetics (formerly Invitae), Labcorp).